The following is an entry in ClinVar:

NM_001197104.2(KMT2A):c.10819T>G (p.Cys3607Gly)

Gene: KMT2A (lysine methyltransferase 2A; plus strand). Cytogenetic location: 11q23.3.
Variant type: single nucleotide variant.
Coding change: c.10819T>G on transcript NM_001197104.2 (MANE Select); coding-DNA position 10819, T replaced by G.
Protein change: p.Cys3607Gly; replaces cysteine 3607 with glycine.
Molecular consequence: missense variant.
Genome position (GRCh38, 1-based): chr11:118,507,593, T>G. VCF-style: chr11-118507593-T-G. GRCh37 (hg19) VCF-style: chr11-118378308-T-G.
Other names: c.10909T>G, p.Cys3637Gly (NM_001412597.1); c.10810T>G, p.Cys3604Gly (NM_005933.4); short protein forms C3604G, C3637G, C3607G.
Identifiers: ClinVar variation 3634366 (VCV003634366.2).
Genomic context (GRCh38, chr11:118,507,593, plus strand): 5'-CCAGGAGCAGAGGCTGAGCAGCAGGATACAGCTAGCGTGGAGCAGTCCTCCCAGAAGGAG[T>G]GTGGGCAACCTGCAGGGTAAGCTGAAGAATTCGTCTTTTAAGACTAAGCTCTCAGTTTTG-3'
Protein context (NP_001184033.1, residues 3597-3617): ASVEQSSQKE[Cys3607Gly]GQPAGQVAVL

ClinVar aggregate classification (germline): Uncertain significance (1 of 4 stars; one submission).

Submission:

Labcorp Genetics (formerly Invitae), Labcorp
Classification: Uncertain significance. Last evaluated: 2024-04-15. Review status: criteria provided, single submitter. Criteria: Invitae Variant Classification Sherloc (09022015). Collection method: clinical testing. Allele origin: germline.
Comment: This sequence change replaces cysteine, which is neutral and slightly polar, with glycine, which is neutral and non-polar, at codon 3607 of the KMT2A protein (p.Cys3607Gly). This variant is not present in population databases (gnomAD no frequency). This variant has not been reported in the literature in individuals affected with KMT2A-related conditions. Advanced modeling of protein sequence and biophysical properties (such as structural, functional, and spatial information, amino acid conservation, physicochemical variation, residue mobility, and thermodynamic stability) performed at Invitae indicates that this missense variant is not expected to disrupt KMT2A protein function with a negative predictive value of 95%. Algorithms developed to predict the effect of sequence changes on RNA splicing suggest that this variant may disrupt the consensus splice site. In summary, the available evidence is currently insufficient to determine the role of this variant in disease. Therefore, it has been classified as a Variant of Uncertain Significance.